The following is an entry in ClinVar:

NM_001845.6(COL4A1):c.2759C>T (p.Pro920Leu)

Gene: COL4A1 (collagen type IV alpha 1 chain; minus strand). Cytogenetic location: 13q34.
Variant type: single nucleotide variant.
Coding change: c.2759C>T on transcript NM_001845.6 (MANE Select); coding-DNA position 2759, C replaced by T.
Protein change: p.Pro920Leu; replaces proline 920 with leucine.
Molecular consequence: missense variant.
Genome position (GRCh38, 1-based): chr13:110,176,995, G>A on the plus strand (C>T on the coding strand, the complement: COL4A1 is on the minus strand). VCF-style: chr13-110176995-G-A. GRCh37 (hg19) VCF-style: chr13-110829342-G-A.
Other names: short protein forms P920L.
Identifiers: ClinVar variation 3900517 (VCV003900517.1).

ClinVar aggregate classification (germline): Uncertain significance (1 of 4 stars; one submission).

gnomAD v4.1: 1 of 1,614,106 alleles (0.000062%); highest among the groups gnomAD compares: Non-Finnish European, 0.000085%; no homozygotes.

Submission:

GeneDx
Classification: Uncertain significance. Last evaluated: 2024-11-20. Review status: criteria provided, single submitter. Criteria: GeneDx Variant Classification Process June 2021. Collection method: clinical testing. Allele origin: germline. Affected: yes.
Comment: Not observed at significant frequency in large population cohorts (gnomAD); In silico analysis supports that this missense variant has a deleterious effect on protein structure/function; Has not been previously published as pathogenic or benign to our knowledge; Occurs in the triple helical domain at the Y position in the canonical Gly-X-Y repeat; although this variant may have an effect on normal protein folding and function, missense substitution at the Y position is not a common mechanism of disease